The following is an entry in ClinVar:

NM_002547.3(OPHN1):c.761A>G (p.Lys254Arg)

Gene: OPHN1 (oligophrenin 1; minus strand). Cytogenetic location: Xq12.
Variant type: single nucleotide variant.
Coding change: c.761A>G on transcript NM_002547.3 (MANE Select); coding-DNA position 761, A replaced by G.
Protein change: p.Lys254Arg; replaces lysine 254 with arginine.
Molecular consequence: missense variant.
Genome position (GRCh38, 1-based): chrX:68,210,224, T>C on the plus strand (A>G on the coding strand, the complement: OPHN1 is on the minus strand). VCF-style: chrX-68210224-T-C. GRCh37 (hg19) VCF-style: chrX-67430066-T-C.
Other names: short protein forms K254R.
Identifiers: ClinVar variation 3341356 (VCV003341356.1).

ClinVar aggregate classification (germline): Uncertain significance (1 of 4 stars; one submission).

Conditions:
Intellectual developmental disorder, X-linked, syndromic, Billuart type. Also called: MENTAL RETARDATION, X-LINKED 60; X-linked intellectual disability-cerebellar hypoplasia syndrome. Identifiers: Orphanet 137831, MedGen C1845366, MONDO:0010337, OMIM 300486.

Submission:

Neuberg Centre For Genomic Medicine, NCGM
Classification: Uncertain significance for Intellectual developmental disorder, X-linked, syndromic, Billuart type. Last evaluated: 2023-05-20. Review status: criteria provided, single submitter. Criteria: ACMG Guidelines, 2015. Collection method: clinical testing. Allele origin: germline. Inheritance: X-linked recessive inheritance. Affected: yes.
Comment: The observed missense variant c.761A>G (p.Lys254Arg) in OPHN1 gene has not been reported previously as a pathogenic variant nor as a benign variant, to our knowledge. The p.Lys254Arg variant is absent in gnomAD Exomes database. This variant has not been submitted to the ClinVar database. Computational evidence (SIFT - tolerated; Polyphen - possibly damaging; MutationTaster - disease causing) shows conflicting evidence on protein structure and function for this variant. The amino acid change p.Lys254Arg in OPHN1 is predicted as conserved by GERP++ and PhyloP across 100 vertebrates. The amino acid Lys at position 254 is changed to a Arg changing protein sequence and it might alter its composition and physico-chemical properties. For these reasons, this variant has been classified as a Variant of Uncertain Significance (VUS).